The following is an entry in ClinVar:

ClinVar aggregate classification (germline): Likely benign (1 of 4 stars; one submission).

Submission:

CeGaT Center for Human Genetics Tuebingen
Classification: Likely benign. Last evaluated: 2024-10-01. Review status: criteria provided, single submitter. Criteria: CeGaT Center For Human Genetics Tuebingen Variant Classification Criteria Version 2. Collection method: clinical testing. Allele origin: germline. Affected: yes. Observed: 1 variant allele.
Comment: CTNNAL1: PM2:Supporting, BP4, BP7

NM_003798.4(CTNNAL1):c.522T>C (p.Val174=)

Gene: CTNNAL1 (catenin alpha like 1; minus strand). Cytogenetic location: 9q31.3.
Variant type: single nucleotide variant.
Coding change: c.522T>C on transcript NM_003798.4 (MANE Select); coding-DNA position 522, T replaced by C.
Protein change: p.Val174=; no amino-acid change (valine 174 retained).
Molecular consequence: synonymous variant.
Genome position (GRCh38, 1-based): chr9:108,990,843, A>G on the plus strand (T>C on the coding strand, the complement: CTNNAL1 is on the minus strand). VCF-style: chr9-108990843-A-G. GRCh37 (hg19) VCF-style: chr9-111753123-A-G.
Other names: c.522T>C, p.Val174= (NM_001286974.2).
Identifiers: ClinVar variation 3389915 (VCV003389915.14).